The following is an entry in ClinVar:

ClinVar aggregate classification (germline): Likely pathogenic (1 of 4 stars; one submission).

Conditions:
Primary ciliary dyskinesia. Also called: Ciliary dyskinesia. Identifiers: Orphanet 244, MedGen C0008780, MONDO:0016575, HP:0012265.

gnomAD v4.1: 9 of 1,611,174 alleles (0.00056%); highest among the groups gnomAD compares: Admixed American, 0.0017%; no homozygotes.

Submission:

Department of Human Genetics, Hannover Medical School
Classification: Likely pathogenic for Primary Ciliary Dyskinesia. Last evaluated: 2026-04-01. Review status: criteria provided, single submitter. Criteria: ACMG Guidelines, 2015. Collection method: research. Allele origin: germline. Affected: no.
Comment: Classification performed by HerediClassify using the following criteria:['PM2_supporting: Variant occures does not occur as homozygous in gnomAD.', 'PVS1_protein_very_strong: Transcript ENST00000590602 is predicted to undergo NMD.']

NM_001127198.5(TMC6):c.1110C>G (p.Tyr370Ter)

Gene: TMC6 (transmembrane channel like 6; minus strand). Cytogenetic location: 17q25.3.
Variant type: single nucleotide variant.
Coding change: c.1110C>G on transcript NM_001127198.5 (MANE Select); coding-DNA position 1110, C replaced by G.
Protein change: p.Tyr370Ter; replaces tyrosine 370 with a stop codon.
Molecular consequence: nonsense. On other transcripts: non-coding transcript variant (4).
Genome position (GRCh38, 1-based): chr17:78,122,722, G>C on the plus strand (C>G on the coding strand, the complement: TMC6 is on the minus strand). VCF-style: chr17-78122722-G-C. GRCh37 (hg19) VCF-style: chr17-76118803-G-C.
Other names: c.1110C>G, p.Tyr370Ter (NM_007267.7, NM_001321185.1, NM_001374593.1 and 4 more transcripts); short protein forms Y370*.
Identifiers: ClinVar variation 4880176 (VCV004880176.1).